The following is an entry in ClinVar:

NM_017950.4(CCDC40):c.1594G>A (p.Gly532Ser)

Gene: CCDC40 (coiled-coil domain 40 molecular ruler complex subunit; plus strand). Cytogenetic location: 17q25.3.
Variant type: single nucleotide variant.
Coding change: c.1594G>A on transcript NM_017950.4 (MANE Select); coding-DNA position 1594, G replaced by A.
Protein change: p.Gly532Ser; replaces glycine 532 with serine.
Molecular consequence: missense variant.
Genome position (GRCh38, 1-based): chr17:80,081,577, G>A. VCF-style: chr17-80081577-G-A. GRCh37 (hg19) VCF-style: chr17-78055376-G-A.
Other names: c.1594G>A, p.Gly532Ser (NM_001243342.2); short protein forms G532S.
Identifiers: ClinVar variation 569632 (VCV000569632.8), dbSNP rs936824026, ClinGen allele CA294858796.

ClinVar aggregate classification (germline): Conflicting classifications of pathogenicity. Review status: criteria provided, conflicting classifications (1 of 4 stars). 3 submissions from 3 submitters: Uncertain significance (2); Likely benign (1). Last evaluated 2024-11-21.

Conditions:
Primary ciliary dyskinesia. Also called: Ciliary dyskinesia. Identifiers: Orphanet 244, MedGen C0008780, MONDO:0016575, HP:0012265.

Allele frequency attached by ClinVar (database versions not stated): gnomAD 0.00001 and 0.00005; gnomAD exomes 0.00001; TOPMed 0.00007.
gnomAD v4.1: 19 of 1,613,672 alleles (0.0012%); highest among the groups gnomAD compares: East Asian, 0.0022%; no homozygotes.

Submissions (3):

GeneDx
Classification: Uncertain significance. Last evaluated: 2024-11-21. Review status: criteria provided, single submitter. Criteria: GeneDx Variant Classification Process June 2021. Collection method: clinical testing. Allele origin: germline. Affected: yes.
Comment: Not observed at significant frequency in large population cohorts (gnomAD); In silico analysis indicates that this missense variant does not alter protein structure/function; Has not been previously published as pathogenic or benign to our knowledge

Ambry Genetics
Classification: Likely benign for Primary ciliary dyskinesia. Last evaluated: 2024-11-07. Review status: criteria provided, single submitter. Criteria: Ambry Variant Classification Scheme 2023. Collection method: clinical testing. Allele origin: germline.

Labcorp Genetics (formerly Invitae), Labcorp
Classification: Uncertain significance for Primary ciliary dyskinesia. Last evaluated: 2022-07-05. Review status: criteria provided, single submitter. Criteria: Invitae Variant Classification Sherloc (09022015). Collection method: clinical testing. Allele origin: germline.
Comment: This sequence change replaces glycine, which is neutral and non-polar, with serine, which is neutral and polar, at codon 532 of the CCDC40 protein (p.Gly532Ser). This variant is present in population databases (no rsID available, gnomAD 0.002%). This variant has not been reported in the literature in individuals affected with CCDC40-related conditions. ClinVar contains an entry for this variant (Variation ID: 569632). Algorithms developed to predict the effect of missense changes on protein structure and function output the following: SIFT: "Tolerated"; PolyPhen-2: "Benign"; Align-GVGD: "Class C0". The serine amino acid residue is found in multiple mammalian species, which suggests that this missense change does not adversely affect protein function. Algorithms developed to predict the effect of sequence changes on RNA splicing suggest that this variant may create or strengthen a splice site. In summary, the available evidence is currently insufficient to determine the role of this variant in disease. Therefore, it has been classified as a Variant of Uncertain Significance.